The following is an entry in ClinVar:

NM_004304.5(ALK):c.3098T>G (p.Leu1033Arg)

Gene: ALK (ALK receptor tyrosine kinase; minus strand). Cytogenetic location: 2p23.2.
Variant type: single nucleotide variant.
Coding change: c.3098T>G on transcript NM_004304.5 (MANE Select); coding-DNA position 3098, T replaced by G.
Protein change: p.Leu1033Arg; replaces leucine 1033 with arginine.
Molecular consequence: missense variant.
Genome position (GRCh38, 1-based): chr2:29,225,535, A>C on the plus strand (T>G on the coding strand, the complement: ALK is on the minus strand). VCF-style: chr2-29225535-A-C. GRCh37 (hg19) VCF-style: chr2-29448401-A-C.
Other names: short protein forms L1033R.
Identifiers: ClinVar variation 1412978 (VCV001412978.6), dbSNP rs572614173, ClinGen allele CA346466998.

ClinVar aggregate classification (germline): Uncertain significance (1 of 4 stars; one submission).

Conditions:
Neuroblastoma, susceptibility to, 3. Also called: ALK-Related Neuroblastic Tumor Susceptibility. Identifiers: Orphanet 635, MedGen C2751681, MONDO:0013083, OMIM 613014.

Submission:

Labcorp Genetics (formerly Invitae), Labcorp
Classification: Uncertain significance for Neuroblastoma, susceptibility to, 3. Last evaluated: 2024-04-22. Review status: criteria provided, single submitter. Criteria: Invitae Variant Classification Sherloc (09022015). Collection method: clinical testing. Allele origin: germline.
Comment: This sequence change replaces leucine, which is neutral and non-polar, with arginine, which is basic and polar, at codon 1033 of the ALK protein (p.Leu1033Arg). This variant is not present in population databases (gnomAD no frequency). This variant has not been reported in the literature in individuals affected with ALK-related conditions. ClinVar contains an entry for this variant (Variation ID: 1412978). An algorithm developed to predict the effect of missense changes on protein structure and function (PolyPhen-2) suggests that this variant is likely to be tolerated. In summary, the available evidence is currently insufficient to determine the role of this variant in disease. Therefore, it has been classified as a Variant of Uncertain Significance.